The following is an entry in ClinVar:

NM_006393.3(NEBL):c.2002A>G (p.Ser668Gly)

Gene: NEBL (nebulette; minus strand). Cytogenetic location: 10p12.31.
Variant type: single nucleotide variant.
Coding change: c.2002A>G on transcript NM_006393.3 (MANE Select); coding-DNA position 2002, A replaced by G.
Protein change: p.Ser668Gly; replaces serine 668 with glycine.
Molecular consequence: missense variant. On other transcripts: intron variant (9).
Genome position (GRCh38, 1-based): chr10:20,819,477, T>C on the plus strand (A>G on the coding strand, the complement: NEBL is on the minus strand). VCF-style: chr10-20819477-T-C. GRCh37 (hg19) VCF-style: chr10-21108406-T-C.
Other names: c.250-6537A>G (NM_001377326.1, NM_001377327.1, NM_001377328.1); c.358-6537A>G (NM_213569.2, NM_001173484.2, NM_001377322.1); c.301-6537A>G (NM_001377324.1); c.292-6537A>G (NM_001377325.1); c.310-6537A>G (NM_001377323.1); c.2002A>G (NM_006393.2); short protein forms S668G.
Identifiers: ClinVar variation 1433340 (VCV001433340.10), dbSNP rs774221912, ClinGen allele CA5432654.

ClinVar aggregate classification (germline): Uncertain significance. Review status: criteria provided, multiple submitters, no conflicts (2 of 4 stars). 2 submissions from 2 submitters: Uncertain significance (2). Last evaluated 2025-09-26.

Conditions:
Primary dilated cardiomyopathy (DCM). Also called: Dilated Cardiomyopathy. Identifiers: Orphanet 217604, MedGen C0007193, MeSH D002311, MONDO:0005021, HP:0001644. Inheritance: Various modes of inheritance.

Allele frequency attached by ClinVar (database versions not stated): ExAC 0.00001; gnomAD 0.00001; gnomAD exomes 0.00001.
gnomAD v4.1: 28 of 1,613,946 alleles (0.0017%); highest among the groups gnomAD compares: Non-Finnish European, 0.0021%; no homozygotes.

Submissions (2):

Ambry Genetics
Classification: Uncertain significance. Last evaluated: 2025-09-26. Review status: criteria provided, single submitter. Criteria: Ambry Variant Classification Scheme 2023. Collection method: clinical testing. Allele origin: germline.

Labcorp Genetics (formerly Invitae), Labcorp
Classification: Uncertain significance for Primary dilated cardiomyopathy. Last evaluated: 2024-06-17. Review status: criteria provided, single submitter. Criteria: Invitae Variant Classification Sherloc (09022015). Collection method: clinical testing. Allele origin: germline.
Comment: This sequence change replaces serine, which is neutral and polar, with glycine, which is neutral and non-polar, at codon 668 of the NEBL protein (p.Ser668Gly). This variant is present in population databases (rs774221912, gnomAD 0.004%). This variant has not been reported in the literature in individuals affected with NEBL-related conditions. ClinVar contains an entry for this variant (Variation ID: 1433340). An algorithm developed to predict the effect of missense changes on protein structure and function (PolyPhen-2) suggests that this variant is likely to be tolerated. In summary, the available evidence is currently insufficient to determine the role of this variant in disease. Therefore, it has been classified as a Variant of Uncertain Significance.